The following is an entry in ClinVar:

ClinVar aggregate classification (germline): Uncertain significance. Review status: criteria provided, multiple submitters, no conflicts (2 of 4 stars). 2 submissions from 2 submitters: Uncertain significance (2). Last evaluated 2026-05-23.

Conditions:
Inborn genetic diseases. Identifiers: MedGen C0950123, MeSH D030342.
Cornelia de Lange syndrome 1 (CDLS1). Also called: TYPUS DEGENERATIVUS AMSTELODAMENSIS; Brachmann de Lange syndrome; NIPBL-Related Cornelia de Lange Syndrome. Identifiers: Orphanet 199, MedGen C4551851, MONDO:0007387, OMIM 122470.

Allele frequency attached by ClinVar (database versions not stated): ExAC 0.00001; gnomAD 0.00001; ESP Exome Variant Server 0.00008; gnomAD exomes below 0.00001; TOPMed 0.00002.
gnomAD v4.1: 4 of 1,613,920 alleles (0.00025%); highest among the groups gnomAD compares: African/African-American, 0.004%; no homozygotes.

Submissions (2):

Ambry Genetics
Classification: Uncertain significance for Inborn genetic diseases. Last evaluated: 2026-05-23. Review status: criteria provided, single submitter. Criteria: Ambry Variant Classification Scheme 2023. Collection method: clinical testing. Allele origin: germline.
Comment: The c.7454G>C (p.S2485T) alteration is located in exon 44 (coding exon 43) of the NIPBL gene. This alteration results from a G to C substitution at nucleotide position 7454, causing the serine (S) at amino acid position 2485 to be replaced by a threonine (T). Based on data from gnomAD, the C allele has an overall frequency of <0.001% (1/248918) total alleles studied. The highest observed frequency was 0.006% (1/16256) of African alleles. Based on insufficient or conflicting evidence, the clinical significance of this alteration remains unclear.

Labcorp Genetics (formerly Invitae), Labcorp
Classification: Uncertain significance for Cornelia de Lange syndrome 1. Last evaluated: 2022-03-26. Review status: criteria provided, single submitter. Criteria: Invitae Variant Classification Sherloc (09022015). Collection method: clinical testing. Allele origin: germline.
Comment: Advanced modeling of protein sequence and biophysical properties (such as structural, functional, and spatial information, amino acid conservation, physicochemical variation, residue mobility, and thermodynamic stability) performed at Invitae indicates that this missense variant is not expected to disrupt NIPBL protein function. In summary, the available evidence is currently insufficient to determine the role of this variant in disease. Therefore, it has been classified as a Variant of Uncertain Significance. This variant has not been reported in the literature in individuals affected with NIPBL-related conditions. This variant is present in population databases (rs377715840, gnomAD 0.007%). This sequence change replaces serine, which is neutral and polar, with threonine, which is neutral and polar, at codon 2485 of the NIPBL protein (p.Ser2485Thr).

NM_133433.4(NIPBL):c.7454G>C (p.Ser2485Thr)

Gene: NIPBL (NIPBL cohesin loading factor; plus strand). Cytogenetic location: 5p13.2.
Variant type: single nucleotide variant.
Coding change: c.7454G>C on transcript NM_133433.4 (MANE Select); coding-DNA position 7454, G replaced by C.
Protein change: p.Ser2485Thr; replaces serine 2485 with threonine.
Molecular consequence: missense variant.
Genome position (GRCh38, 1-based): chr5:37,058,934, G>C. VCF-style: chr5-37058934-G-C. GRCh37 (hg19) VCF-style: chr5-37059036-G-C.
Other names: c.7454G>C (NM_133433.3); c.7454G>C, p.Ser2485Thr (NM_015384.5); short protein forms S2485T.
Identifiers: ClinVar variation 1898810 (VCV001898810.6), dbSNP rs377715840, ClinGen allele CA3237207.
Genomic context (GRCh38, chr5:37,058,934, plus strand): 5'-ACGATTTTTTCTTTCAGTCTATGGTAAAGGACAAAAGGAAAGAGAGAAAATCATCACCTA[G>C]TAAGGAAAATGAGTCAAGCGACAGTGAAGAAGAAGTTTCCAGGCCTCGGAAGTCACGGAA-3'
Protein context (NP_597677.2, residues 2475-2495): DKRKERKSSP[Ser2485Thr]KENESSDSEE